The following is an entry in ClinVar:

ClinVar aggregate classification (germline): Uncertain significance. Review status: criteria provided, multiple submitters, no conflicts (2 of 4 stars). 2 submissions from 2 submitters: Uncertain significance (2). Last evaluated 2024-08-21.

Conditions:
RASopathy. Also called: rasopathies; Noonan spectrum disorder. Identifiers: Orphanet 536391, MedGen C5555857, MONDO:0021060.

gnomAD v4.1: 3 of 1,612,708 alleles (0.00019%); highest among the groups gnomAD compares: Admixed American, 0.0017%; no homozygotes.

Submissions (2):

Labcorp Genetics (formerly Invitae), Labcorp
Classification: Uncertain significance for RASopathy. Last evaluated: 2024-08-21. Review status: criteria provided, single submitter. Criteria: Invitae Variant Classification Sherloc (09022015). Collection method: clinical testing. Allele origin: germline.
Comment: This sequence change replaces glutamic acid, which is acidic and polar, with aspartic acid, which is acidic and polar, at codon 123 of the PTPN11 protein (p.Glu123Asp). This variant is present in population databases (rs755619262, gnomAD 0.003%). This variant has not been reported in the literature in individuals affected with PTPN11-related conditions. ClinVar contains an entry for this variant (Variation ID: 280278). Invitae Evidence Modeling of protein sequence and biophysical properties (such as structural, functional, and spatial information, amino acid conservation, physicochemical variation, residue mobility, and thermodynamic stability) indicates that this missense variant is expected to disrupt PTPN11 protein function with a positive predictive value of 95%. In summary, the available evidence is currently insufficient to determine the role of this variant in disease. Therefore, it has been classified as a Variant of Uncertain Significance.

GeneDx
Classification: Uncertain significance. Last evaluated: 2016-01-18. Review status: criteria provided, single submitter. Criteria: GeneDx Variant Classification (06012015). Collection method: clinical testing. Allele origin: germline. Affected: yes.
Comment: The E123D variant has not been published as a pathogenic variant, nor has it been reported as a benign variant to our knowledge. The E123D variant was not observed in approximately 6,500 individuals of European and African American ancestry in the NHLBI Exome Sequencing Project, indicating it is not a common benign variant in these populations. This substitution occurs at a position that is conserved across species and in silico analysis predicts this variant is probably damaging to the protein structure/function. However, the E123D variant is a conservative amino acid substitution, which is not likely to impact secondary protein structure as these residues share similar properties. Furthermore, missense variants in nearby residues have not been reported in the Human Gene Mutation Database (Stenson et al., 2014), indicating that this region of the gene is not known to harbor disease-causing variants.

NM_002834.5(PTPN11):c.369G>T (p.Glu123Asp)

Gene: PTPN11 (protein tyrosine phosphatase non-receptor type 11; plus strand). Cytogenetic location: 12q24.13.
Variant type: single nucleotide variant.
Coding change: c.369G>T on transcript NM_002834.5 (MANE Select); coding-DNA position 369, G replaced by T.
Protein change: p.Glu123Asp; replaces glutamic acid 123 with aspartic acid.
Molecular consequence: missense variant.
Genome position (GRCh38, 1-based): chr12:112,453,231, G>T. VCF-style: chr12-112453231-G-T. GRCh37 (hg19) VCF-style: chr12-112891035-G-T.
Other names: c.369G>T, p.Glu123Asp (NM_001330437.2, NM_080601.3); c.366G>T, p.Glu122Asp (NM_001374625.1); short protein forms E123D, E122D.
Identifiers: ClinVar variation 280278 (VCV000280278.10), dbSNP rs755619262, ClinGen allele CA6798547.
Genomic context (GRCh38, chr12:112,453,231, plus strand): 5'-TTTTTTATTTTTTAAAAACTTTAGGTGGTTTCATGGACATCTCTCTGGGAAAGAAGCAGA[G>T]AAATTATTAACTGAAAAAGGAAAACATGGTAGTTTTCTTGTACGAGAGAGCCAGAGCCAC-3'
Protein context (NP_002825.3, residues 113-133): FHGHLSGKEA[Glu123Asp]KLLTEKGKHG